The following is an entry in ClinVar:

ClinVar aggregate classification (germline): Likely benign. Review status: criteria provided, multiple submitters, no conflicts (2 of 4 stars). 2 submissions from 2 submitters: Likely benign (2). Last evaluated 2026-09-01.

Allele frequency attached by ClinVar (database versions not stated): ExAC 0.00007; gnomAD 0.00007 and 0.00008; ESP Exome Variant Server 0.00008; gnomAD exomes 0.00009 and 0.00010; TOPMed 0.00009.
gnomAD v4.1: 153 of 1,613,228 alleles (0.0095%); highest among the groups gnomAD compares: Admixed American, 0.035%; no homozygotes.

Submissions (2):

CeGaT Center for Human Genetics Tuebingen
Classification: Likely benign. Last evaluated: 2026-09-01. Review status: criteria provided, single submitter. Criteria: CeGaT Center For Human Genetics Tuebingen Variant Classification Criteria Version 2. Collection method: clinical testing. Allele origin: germline. Affected: yes. Observed: 1 variant allele.
Comment: REPS1: BP4, BP7

Labcorp Genetics (formerly Invitae), Labcorp
Classification: Likely benign. Last evaluated: 2025-08-18. Review status: criteria provided, single submitter. Criteria: Invitae Variant Classification Sherloc (09022015). Collection method: clinical testing. Allele origin: germline.

NM_001286611.2(REPS1):c.1689A>G (p.Leu563=)

Gene: REPS1 (RALBP1 associated Eps domain containing 1; minus strand). Cytogenetic location: 6q24.1.
Variant type: single nucleotide variant.
Coding change: c.1689A>G on transcript NM_001286611.2 (MANE Select); coding-DNA position 1689, A replaced by G.
Protein change: p.Leu563=; no amino-acid change (leucine 563 retained).
Molecular consequence: synonymous variant. On other transcripts: intron variant (1).
Genome position (GRCh38, 1-based): chr6:138,915,889, T>C on the plus strand (A>G on the coding strand, the complement: REPS1 is on the minus strand). VCF-style: chr6-138915889-T-C. GRCh37 (hg19) VCF-style: chr6-139237026-T-C.
Other names: c.1608A>G, p.Leu536= (NM_001128617.3); c.1686A>G, p.Leu562= (NM_031922.5); c.1448-1128A>G (NM_001286612.2).
Identifiers: ClinVar variation 1669214 (VCV001669214.9), dbSNP rs371271065, ClinGen allele CA4024088.
Genomic context (GRCh38, chr6:138,915,889, plus strand): 5'-AATGTATATTATGGTTCTCTAGCCCCTACCTGTGGTGACTGTAAAGGTCCGATTCATATC[T>C]AAAGATGATGATCTAGAATGAGAGGGCTGTGGCCTTGGAGGGGGAGGTGGTGGTGCAGTG-3'
Protein context (NP_001273540.1, residues 553-573): PQPSHSRSSS[Leu563=]DMNRTFTVTT